The following is an entry in ClinVar:

ClinVar aggregate classification (germline): Uncertain significance (1 of 4 stars; one submission).

Conditions:
Cardiomyopathy, familial hypertrophic, 28. Identifiers: MedGen C5543616, MONDO:0030317, OMIM 619402.

Allele frequency attached by ClinVar (database versions not stated): gnomAD 0.00005; ExAC 0.00019.
gnomAD v4.1: 42 of 1,533,620 alleles (0.0027%); highest among the groups gnomAD compares: South Asian, 0.032%; no homozygotes.

Submission:

Victorian Clinical Genetics Services, Murdoch Childrens Research Institute
Classification: Uncertain significance for Cardiomyopathy, familial hypertrophic, 28. Last evaluated: 2023-07-16. Review status: criteria provided, single submitter. Criteria: ACMG Guidelines, 2015. Collection method: clinical testing. Allele origin: germline. Inheritance: Autosomal dominant inheritance. Affected: yes.
Comment: Based on the classification scheme VCGS_Germline_v1.3.4, this variant is classified as VUS-3C. Following criteria are met: 0105 - The mechanism of disease for this gene is not clearly established. However, dominant negative is a suggested mechanism (PMIDs: 24088304, 35205353). (I) 0107 - This gene is associated with autosomal dominant disease. (I) 0112 - The condition associated with this gene has incomplete penetrance (PMID: 30442288). (I) 0201 - Variant is predicted to cause nonsense-mediated decay (NMD) and loss of protein (premature termination codon is located at least 54 nucleotides upstream of the final exon-exon junction). (SP) 0251 - This variant is heterozygous. (I) 0302 - Variant is present in gnomAD (v2 & v3) <0.001 for a dominant condition (14 heterozygotes, 0 homozygotes). (SP) 0708 - Other premature termination variants comparable to the one identified in this case have conflicting previous evidence for pathogenicity. Other NMD-predicted variants in this gene have been reported in individuals with various cardiac conditions, including left ventricular outflow tract obstruction, dilated cardiomyopathy or hypertrophic cardiomyopathy, and they have been reported as either VUS or likely pathogenic (PMIDs: 28991257, 30442288, 33586461). (I) 0809 - Previous evidence of pathogenicity for this variant is inconclusive. (I) 0905 - No published segregation evidence has been identified for this variant. (I) 1007 - No published functional evidence has been identified for this variant. (I) Legend: (SP) - Supporting pathogenic, (I) - Information, (SB) - Supporting benign

Literature cited by the submitters: PubMed 24088304; PubMed 28991257; PubMed 30442288; PubMed 33586461; PubMed 35205353.

NM_001281740.3(FHOD3):c.1702C>T (p.Arg568Ter)

Gene: FHOD3 (formin homology 2 domain containing 3; plus strand). Cytogenetic location: 18q12.2.
Variant type: single nucleotide variant.
Coding change: c.1702C>T on transcript NM_001281740.3 (MANE Select); coding-DNA position 1702, C replaced by T.
Protein change: p.Arg568Ter; replaces arginine 568 with a stop codon.
Molecular consequence: nonsense. On other transcripts: intron variant (2).
Genome position (GRCh38, 1-based): chr18:36,653,397, C>T. VCF-style: chr18-36653397-C-T. GRCh37 (hg19) VCF-style: chr18-34233360-C-T.
Other names: c.1197-4678C>T (NM_025135.5, NM_001281739.3); short protein forms R568*.
Identifiers: ClinVar variation 3254770 (VCV003254770.1), dbSNP rs778684024.